The following is an entry in ClinVar:

NM_004204.5(PIGQ):c.*69C>T

Gene: PIGQ (phosphatidylinositol glycan anchor biosynthesis class Q; plus strand). Cytogenetic location: 16p13.3.
Variant type: single nucleotide variant.
Coding change: c.*69C>T on transcript NM_004204.5 (MANE Select); 69 bases downstream of the stop codon, C replaced by T.
Molecular consequence: 3 prime UTR variant. On other transcripts: nonsense (1).
Genome position (GRCh38, 1-based): chr16:583,104, C>T. VCF-style: chr16-583104-C-T. GRCh37 (hg19) VCF-style: chr16-633104-C-T.
Other names: c.1753C>T, p.Gln585Ter (NM_148920.4); short protein forms Q585*.
Identifiers: ClinVar variation 3572571 (VCV003572571.1).
Genomic context (GRCh38, chr16:583,104, plus strand): 5'-CTGGCTCGCCTGGCACCACCACACGGCCACAGCCAGCCATCTGCTCTGCCAGGGTGGCAC[C>T]AGCTCAGCTGGCGCATGTCCTGTGCTTTGTGGACGCTGCTGTGTGCTCCTGAACACGGCA-3'

ClinVar aggregate classification (germline): Uncertain significance (1 of 4 stars; one submission).

gnomAD v4.1: 18 of 1,612,980 alleles (0.0011%); highest among the groups gnomAD compares: African/African-American, 0.015%; no homozygotes.

Submission:

GeneDx
Classification: Uncertain significance. Last evaluated: 2024-06-30. Review status: criteria provided, single submitter. Criteria: GeneDx Variant Classification Process June 2021. Collection method: clinical testing. Allele origin: germline. Affected: yes.
Comment: Nonsense variant predicted to result in protein truncation as the last 176 amino acids are lost, although loss-of-function variants have not been reported downstream of this position in the protein; Has not been previously published as pathogenic or benign to our knowledge; Reported using an alternate transcript of the gene